The following is an entry in ClinVar:

NM_004360.5(CDH1):c.469G>A (p.Val157Ile)

Gene: CDH1 (cadherin 1; plus strand). Cytogenetic location: 16q22.1.
Variant type: single nucleotide variant.
Coding change: c.469G>A on transcript NM_004360.5 (MANE Select); coding-DNA position 469, G replaced by A.
Protein change: p.Val157Ile; replaces valine 157 with isoleucine.
Molecular consequence: missense variant. On other transcripts: 5 prime UTR variant (2).
Genome position (GRCh38, 1-based): chr16:68,808,505, G>A. VCF-style: chr16-68808505-G-A. GRCh37 (hg19) VCF-style: chr16-68842408-G-A.
Other names: c.469G>A, p.Val157Ile (NM_001317184.2); c.-1147G>A (NM_001317185.2); c.-1351G>A (NM_001317186.2); short protein forms V157I.
Identifiers: ClinVar variation 1018413 (VCV001018413.9), dbSNP rs1960728608, ClinGen allele CA396457685.
Genomic context (GRCh38, chr16:68,808,505, plus strand): 5'-GCAGAATTGCTCACATTTCCCAACTCCTCTCCTGGCCTCAGAAGACAGAAGAGAGACTGG[G>A]TTATTCCTCCCATCAGCTGCCCAGAAAATGAAAAAGGCCCATTTCCTAAAAACCTGGTTC-3'
Protein context (NP_004351.1, residues 147-167): PGLRRQKRDW[Val157Ile]IPPISCPENE

ClinVar aggregate classification (germline): Uncertain significance (1 of 4 stars; one submission).

Conditions:
Hereditary diffuse gastric adenocarcinoma (HDGC). Also called: DIFFUSE GASTRIC AND LOBULAR BREAST CANCER SYNDROME. Identifiers: Orphanet 26106, MedGen C1708349, MONDO:0007648, OMIM 137215.

Submission:

Labcorp Genetics (formerly Invitae), Labcorp
Classification: Uncertain significance for Hereditary diffuse gastric adenocarcinoma. Last evaluated: 2020-04-19. Review status: criteria provided, single submitter. Criteria: Invitae Variant Classification Sherloc (09022015). Collection method: clinical testing. Allele origin: germline.
Comment: This sequence change replaces valine with isoleucine at codon 157 of the CDH1 protein (p.Val157Ile). The valine residue is highly conserved and there is a small physicochemical difference between valine and isoleucine. This variant is not present in population databases (ExAC no frequency). This variant has not been reported in the literature in individuals with CDH1-related conditions. Algorithms developed to predict the effect of missense changes on protein structure and function are either unavailable or do not agree on the potential impact of this missense change (SIFT: "Tolerated"; PolyPhen-2: "Probably Damaging"; Align-GVGD: "Class C0"). In summary, the available evidence is currently insufficient to determine the role of this variant in disease. Therefore, it has been classified as a Variant of Uncertain Significance.